The following is an entry in ClinVar:

NM_004517.4(ILK):c.880G>A (p.Ala294Thr)

Genes: TAF10 (TATA-box binding protein associated factor 10; minus strand), ILK (integrin linked kinase; plus strand). Cytogenetic location: 11p15.4.
Variant type: single nucleotide variant.
Coding change: c.880G>A on transcript NM_004517.4 (MANE Select); coding-DNA position 880, G replaced by A.
Protein change: p.Ala294Thr; replaces alanine 294 with threonine.
Molecular consequence: missense variant. On other transcripts: 3 prime UTR variant (1).
Genome position (GRCh38, 1-based): chr11:6,609,747, G>A. VCF-style: chr11-6609747-G-A. GRCh37 (hg19) VCF-style: chr11-6630978-G-A.
Other names: c.880G>A, p.Ala294Thr (NM_001014794.3, NM_001014795.3); c.697G>A, p.Ala233Thr (NM_001278441.2); c.478G>A, p.Ala160Thr (NM_001278442.2); c.*1175C>T (NM_006284.4); short protein forms A294T, A160T, A233T.
Identifiers: ClinVar variation 3655220 (VCV003655220.2).

ClinVar aggregate classification (germline): Uncertain significance (1 of 4 stars; one submission).

Conditions:
Primary familial hypertrophic cardiomyopathy (HCM). Identifiers: Orphanet 99739, MedGen C0949658, MeSH D024741, MONDO:0024573. Inheritance: Various modes of inheritance.

Submission:

Labcorp Genetics (formerly Invitae), Labcorp
Classification: Uncertain significance for Primary familial hypertrophic cardiomyopathy. Last evaluated: 2024-05-31. Review status: criteria provided, single submitter. Criteria: Invitae Variant Classification Sherloc (09022015). Collection method: clinical testing. Allele origin: germline.
Comment: This sequence change replaces alanine, which is neutral and non-polar, with threonine, which is neutral and polar, at codon 294 of the ILK protein (p.Ala294Thr). This variant is present in population databases (no rsID available, gnomAD 0.006%). This variant has not been reported in the literature in individuals affected with ILK-related conditions. An algorithm developed to predict the effect of missense changes on protein structure and function (PolyPhen-2) suggests that this variant is likely to be disruptive. In summary, the available evidence is currently insufficient to determine the role of this variant in disease. Therefore, it has been classified as a Variant of Uncertain Significance.